The following is an entry in ClinVar:

NM_006770.4(MARCO):c.1026A>T (p.Pro342=)

Gene: MARCO (macrophage receptor with collagenous structure; plus strand). Cytogenetic location: 2q14.2.
Variant type: single nucleotide variant.
Coding change: c.1026A>T on transcript NM_006770.4 (MANE Select); coding-DNA position 1026, A replaced by T.
Protein change: p.Pro342=; no amino-acid change (proline 342 retained).
Molecular consequence: synonymous variant.
Genome position (GRCh38, 1-based): chr2:118,982,373, A>T. VCF-style: chr2-118982373-A-T. GRCh37 (hg19) VCF-style: chr2-119739949-A-T.
Identifiers: ClinVar variation 3234391 (VCV003234391.20), dbSNP rs752659536, ClinGen allele CA428402552.

ClinVar aggregate classification (germline): Likely benign (1 of 4 stars; one submission).

Submission:

CeGaT Center for Human Genetics Tuebingen
Classification: Likely benign. Last evaluated: 2024-03-01. Review status: criteria provided, single submitter. Criteria: CeGaT Center For Human Genetics Tuebingen Variant Classification Criteria Version 2. Collection method: clinical testing. Allele origin: germline. Affected: yes. Observed: 1 variant allele.
Comment: MARCO: PM2:Supporting, BP4, BP7